The following is an entry in ClinVar:

ClinVar aggregate classification (germline): Uncertain significance. Review status: criteria provided, multiple submitters, no conflicts (2 of 4 stars). 2 submissions from 2 submitters: Uncertain significance (2). Last evaluated 2025-11-11.

Allele frequency attached by ClinVar (database versions not stated): gnomAD exomes 0.00005; ExAC 0.00016; 1000 Genomes Project 0.00040; 1000 Genomes Project 30x 0.00047; gnomAD 0.00049; ESP Exome Variant Server 0.00054; TOPMed 0.00062.
gnomAD v4.1: 156 of 1,611,864 alleles (0.0097%); highest among the groups gnomAD compares: African/African-American, 0.16%; no homozygotes.

Submissions (2):

Labcorp Genetics (formerly Invitae), Labcorp
Classification: Uncertain significance. Last evaluated: 2025-11-11. Review status: criteria provided, single submitter. Criteria: Invitae Variant Classification Sherloc (09022015). Collection method: clinical testing. Allele origin: germline.
Comment: This sequence change replaces arginine, which is basic and polar, with histidine, which is basic and polar, at codon 783 of the DHX37 protein (p.Arg783His). This variant is present in population databases (rs144942500, gnomAD 0.2%). This variant has not been reported in the literature in individuals affected with DHX37-related conditions. ClinVar contains an entry for this variant (Variation ID: 2084057). Invitae Evidence Modeling of protein sequence and biophysical properties (such as structural, functional, and spatial information, amino acid conservation, physicochemical variation, residue mobility, and thermodynamic stability) indicates that this missense variant is expected to disrupt DHX37 protein function with a positive predictive value of 80%. In summary, the available evidence is currently insufficient to determine the role of this variant in disease. Therefore, it has been classified as a Variant of Uncertain Significance.

Blueprint Genetics
Classification: Uncertain significance. Last evaluated: 2024-09-20. Review status: criteria provided, single submitter. Criteria: ACMG Guidelines, 2015. Collection method: clinical testing. Allele origin: germline.

NM_032656.4(DHX37):c.2348G>A (p.Arg783His)

Gene: DHX37 (DEAH-box helicase 37; minus strand). Cytogenetic location: 12q24.31.
Variant type: single nucleotide variant.
Coding change: c.2348G>A on transcript NM_032656.4 (MANE Select); coding-DNA position 2348, G replaced by A.
Protein change: p.Arg783His; replaces arginine 783 with histidine.
Molecular consequence: missense variant.
Genome position (GRCh38, 1-based): chr12:124,956,796, C>T on the plus strand (G>A on the coding strand, the complement: DHX37 is on the minus strand). VCF-style: chr12-124956796-C-T. GRCh37 (hg19) VCF-style: chr12-125441342-C-T.
Other names: short protein forms R783H.
Identifiers: ClinVar variation 2084057 (VCV002084057.5), dbSNP rs144942500, ClinGen allele CA6871665.